The following is an entry in ClinVar:

NM_001127671.2(LIFR):c.1429del (p.Gln477fs)

Gene: LIFR (LIF receptor subunit alpha; minus strand). Cytogenetic location: 5p13.1.
Variant type: Deletion.
Coding change: c.1429del on transcript NM_001127671.2 (MANE Select); coding-DNA position 1429, one base deleted (C; older notation c.1429delC).
Protein change: p.Gln477fs; shifts the reading frame from glutamine 477.
Molecular consequence: frameshift variant.
Genome position (GRCh38, 1-based): chr5:38,503,984, G deleted on the plus strand (C on the coding strand, the reverse complement: LIFR is on the minus strand). VCF-style (leftmost placement, unchanged base first): chr5-38503983-TG-T. GRCh37 (hg19) VCF-style: chr5-38504085-TG-T.
Other names: p.Gln477LysfsTer11; c.1429del, p.Gln477fs (NM_001364297.2, NM_001364298.2, NM_002310.6); c.1429delC (NM_001127671.2); short protein forms Q477fs.
Identifiers: ClinVar variation 4814027 (VCV004814027.1).

ClinVar aggregate classification (germline): Likely pathogenic (1 of 4 stars; one submission).

Conditions:
Stüve-Wiedemann syndrome 1. Also called: STUVE-WIEDEMANN/SCHWARTZ-JAMPEL TYPE 2 SYNDROME. Identifiers: Orphanet 3206, MedGen C5676888, MONDO:0800043, OMIM 601559.

Submission:

Hacettepe Pediatric Genetics Laboratory, Hacettepe University
Classification: Likely pathogenic for Stüve-Wiedemann syndrome 1. Last evaluated: 2026-02-10. Review status: criteria provided, single submitter. Criteria: ACMG Guidelines, 2015. Collection method: clinical testing. Allele origin: germline. Inheritance: Autosomal recessive inheritance. Affected: yes. Observed: 1 variant allele, 1 compound heterozygote.
Comment: The LIFR:c.1429delC (p.Gln477LysfsTer11) variant was identified in a compound heterozygous state with the LIFR:c.274C>T (p.Gln92Ter) variant, which is known to represent a founder variant in the Turkish population. According to the ACMG variant interpretation guidelines, the c.1429delC variant meets the PVS1 and PM2 criteria and is therefore classified as likely pathogenic. This variant is absent from the gnomAD population database.